The following is an entry in ClinVar:

ClinVar aggregate classification (germline): Uncertain significance (1 of 4 stars; one submission).

Conditions:
Xanthinuria type II. Also called: Xanthine dehydrogenase and aldehyde oxidase combined deficiency of; XDH and AOX dual deficiency. Identifiers: Orphanet 3467, Orphanet 93602, MedGen C1863688, MONDO:0011346, OMIM 603592.

Allele frequency attached by ClinVar (database versions not stated): TOPMed below 0.00001; gnomAD 0.00001; gnomAD exomes 0.00001.
gnomAD v4.1: 13 of 1,613,986 alleles (0.00081%); highest among the groups gnomAD compares: Non-Finnish European, 0.0011%; no homozygotes.

Submission:

Labcorp Genetics (formerly Invitae), Labcorp
Classification: Uncertain significance for Xanthinuria type II. Last evaluated: 2021-12-20. Review status: criteria provided, single submitter. Criteria: Invitae Variant Classification Sherloc (09022015). Collection method: clinical testing. Allele origin: germline.
Comment: This sequence change replaces serine, which is neutral and polar, with asparagine, which is neutral and polar, at codon 746 of the MOCOS protein (p.Ser746Asn). This variant is not present in population databases (gnomAD no frequency). This variant has not been reported in the literature in individuals affected with MOCOS-related conditions. Algorithms developed to predict the effect of missense changes on protein structure and function are either unavailable or do not agree on the potential impact of this missense change (SIFT: "Deleterious"; PolyPhen-2: "Probably Damaging"; Align-GVGD: "Class C0"). In summary, the available evidence is currently insufficient to determine the role of this variant in disease. Therefore, it has been classified as a Variant of Uncertain Significance.

NM_017947.4(MOCOS):c.2237G>A (p.Ser746Asn)

Gene: MOCOS (molybdenum cofactor sulfurase; plus strand). Cytogenetic location: 18q12.2.
Variant type: single nucleotide variant.
Coding change: c.2237G>A on transcript NM_017947.4 (MANE Select); coding-DNA position 2237, G replaced by A.
Protein change: p.Ser746Asn; replaces serine 746 with asparagine.
Molecular consequence: missense variant.
Genome position (GRCh38, 1-based): chr18:36,257,040, G>A. VCF-style: chr18-36257040-G-A. GRCh37 (hg19) VCF-style: chr18-33837003-G-A.
Other names: short protein forms S746N.
Identifiers: ClinVar variation 1912477 (VCV001912477.5), dbSNP rs1196463274, ClinGen allele CA402290809.